The following is an entry in ClinVar:

ClinVar aggregate classification (germline): Conflicting classifications of pathogenicity. Review status: criteria provided, conflicting classifications (1 of 4 stars). 2 submissions from 2 submitters: Uncertain significance (1); Likely benign (1). Last evaluated 2025-12-01.

Conditions:
Early-infantile DEE. Also called: Ohtahara syndrome; Early infantile epileptic encephalopathy with suppression bursts; Early infantile epileptic encephalopathy. Identifiers: Orphanet 1934, MedGen C0393706, MONDO:0800491.

Allele frequency attached by ClinVar (database versions not stated): ESP Exome Variant Server 0.00008.
gnomAD v4.1: 24 of 1,613,886 alleles (0.0015%); highest among the groups gnomAD compares: East Asian, 0.0045%; 1 homozygote.

Submissions (2):

CeGaT Center for Human Genetics Tuebingen
Classification: Likely benign. Last evaluated: 2025-12-01. Review status: criteria provided, single submitter. Criteria: CeGaT Center For Human Genetics Tuebingen Variant Classification Criteria Version 2. Collection method: clinical testing. Allele origin: germline. Affected: yes. Observed: 1 variant allele.
Comment: SCN8A: BS2

Labcorp Genetics (formerly Invitae), Labcorp
Classification: Uncertain significance for Early-infantile DEE. Last evaluated: 2022-11-14. Review status: criteria provided, single submitter. Criteria: Invitae Variant Classification Sherloc (09022015). Collection method: clinical testing. Allele origin: germline.
Comment: This sequence change replaces arginine, which is basic and polar, with glutamine, which is neutral and polar, at codon 1932 of the SCN8A protein (p.Arg1932Gln). In summary, the available evidence is currently insufficient to determine the role of this variant in disease. Therefore, it has been classified as a Variant of Uncertain Significance. Advanced modeling of protein sequence and biophysical properties (such as structural, functional, and spatial information, amino acid conservation, physicochemical variation, residue mobility, and thermodynamic stability) performed at Invitae indicates that this missense variant is not expected to disrupt SCN8A protein function. ClinVar contains an entry for this variant (Variation ID: 1516886). This variant has not been reported in the literature in individuals affected with SCN8A-related conditions. This variant is present in population databases (rs371766742, gnomAD 0.007%).

NM_001330260.2(SCN8A):c.5795G>A (p.Arg1932Gln)

Gene: SCN8A (sodium voltage-gated channel alpha subunit 8; plus strand). Cytogenetic location: 12q13.13.
Variant type: single nucleotide variant.
Coding change: c.5795G>A on transcript NM_001330260.2 (MANE Select); coding-DNA position 5795, G replaced by A.
Protein change: p.Arg1932Gln; replaces arginine 1932 with glutamine.
Molecular consequence: missense variant.
Genome position (GRCh38, 1-based): chr12:51,807,281, G>A. VCF-style: chr12-51807281-G-A. GRCh37 (hg19) VCF-style: chr12-52201065-G-A.
Other names: c.5672G>A, p.Arg1891Gln (NM_001177984.3, NM_001369788.1); c.5795G>A, p.Arg1932Gln (NM_014191.4); short protein forms R1891Q, R1932Q.
Identifiers: ClinVar variation 1516886 (VCV001516886.14), dbSNP rs371766742, ClinGen allele CA6571956.